The following is an entry in ClinVar:

NM_001206927.2(DNAH8):c.5572-19_5572-18delinsTA

Gene: DNAH8 (dynein axonemal heavy chain 8; plus strand). Cytogenetic location: 6p21.2.
Variant type: Indel.
Coding change: c.5572-19_5572-18delinsTA on transcript NM_001206927.2 (MANE Select); 19 bases into the intron before coding-DNA position 5572 through 18 bases into the intron before coding-DNA position 5572, CC replaced by TA.
Molecular consequence: intron variant.
Genome position (GRCh38, 1-based): chr6:38,853,167-38,853,168, CC replaced by TA. VCF-style: chr6-38853167-CC-TA. GRCh37 (hg19) VCF-style: chr6-38820943-CC-TA.
Other names: c.4921-19_4921-18delinsTA (NM_001371.4).
Identifiers: ClinVar variation 2112185 (VCV002112185.4), dbSNP rs2532910461, ClinGen allele CA2580074464.

ClinVar aggregate classification (germline): Uncertain significance (1 of 4 stars; one submission).

Conditions:
Primary ciliary dyskinesia. Also called: Ciliary dyskinesia. Identifiers: Orphanet 244, MedGen C0008780, MONDO:0016575, HP:0012265.

Submission:

Labcorp Genetics (formerly Invitae), Labcorp
Classification: Uncertain significance for Primary ciliary dyskinesia. Last evaluated: 2022-03-18. Review status: criteria provided, single submitter. Criteria: Invitae Variant Classification Sherloc (09022015). Collection method: clinical testing. Allele origin: germline.
Comment: This sequence change falls in intron 40 of the DNAH8 gene. It does not directly change the encoded amino acid sequence of the DNAH8 protein. Information on the frequency of this variant in the gnomAD database is not available, as this variant may be reported differently in the database. This variant has not been reported in the literature in individuals affected with DNAH8-related conditions. In summary, the available evidence is currently insufficient to determine the role of this variant in disease. Therefore, it has been classified as a Variant of Uncertain Significance.